The following is an entry in ClinVar:

ClinVar aggregate classification (germline): Uncertain significance (1 of 4 stars; one submission).

Allele frequency attached by ClinVar (database versions not stated): ExAC 0.00001; gnomAD 0.00003; TOPMed 0.00003.
gnomAD v4.1: 97 of 1,613,976 alleles (0.006%); highest among the groups gnomAD compares: Middle Eastern, 0.049%; no homozygotes.

Submission:

Labcorp Genetics (formerly Invitae), Labcorp
Classification: Uncertain significance. Last evaluated: 2024-01-13. Review status: criteria provided, single submitter. Criteria: Invitae Variant Classification Sherloc (09022015). Collection method: clinical testing. Allele origin: germline.
Comment: This sequence change replaces valine, which is neutral and non-polar, with methionine, which is neutral and non-polar, at codon 433 of the CELSR2 protein (p.Val433Met). This variant is present in population databases (rs760119454, gnomAD 0.006%). This variant has not been reported in the literature in individuals affected with CELSR2-related conditions. Advanced modeling of protein sequence and biophysical properties (such as structural, functional, and spatial information, amino acid conservation, physicochemical variation, residue mobility, and thermodynamic stability) performed at Invitae indicates that this missense variant is not expected to disrupt CELSR2 protein function with a negative predictive value of 80%. In summary, the available evidence is currently insufficient to determine the role of this variant in disease. Therefore, it has been classified as a Variant of Uncertain Significance.

NM_001408.3(CELSR2):c.1297G>A (p.Val433Met)

Gene: CELSR2 (cadherin EGF LAG seven-pass G-type receptor 2; plus strand). Cytogenetic location: 1p13.3.
Variant type: single nucleotide variant.
Coding change: c.1297G>A on transcript NM_001408.3 (MANE Select); coding-DNA position 1297, G replaced by A.
Protein change: p.Val433Met; replaces valine 433 with methionine.
Molecular consequence: missense variant.
Genome position (GRCh38, 1-based): chr1:109,251,376, G>A. VCF-style: chr1-109251376-G-A. GRCh37 (hg19) VCF-style: chr1-109793998-G-A.
Other names: short protein forms V433M.
Identifiers: ClinVar variation 2730128 (VCV002730128.3), dbSNP rs760119454, ClinGen allele CA986541.